The following is an entry in ClinVar:

NM_001164508.2(NEB):c.19431C>G (p.Arg6477=)

Genes: NEB (nebulin; minus strand), LOC126806373 (BRD4-independent group 4 enhancer GRCh37_chr2:152410007-152411206; plus strand). Cytogenetic location: 2q23.3.
Variant type: single nucleotide variant.
Coding change: c.19431C>G on transcript NM_001164508.2 (MANE Select); coding-DNA position 19431, C replaced by G.
Protein change: p.Arg6477=; no amino-acid change (arginine 6477 retained).
Molecular consequence: synonymous variant.
Genome position (GRCh38, 1-based): chr2:151,554,023, G>C on the plus strand (C>G on the coding strand, the complement: NEB is on the minus strand). VCF-style: chr2-151554023-G-C. GRCh37 (hg19) VCF-style: chr2-152410537-G-C.
Other names: c.19431C>G, p.Arg6477= (NM_001271208.2, NM_001164507.2); c.14328C>G, p.Arg4776= (NM_004543.5); c.19431C>G (NM_001271208.1).
Identifiers: ClinVar variation 1617888 (VCV001617888.10), dbSNP rs991196845, ClinGen allele CA57648463.

ClinVar aggregate classification (germline): Likely benign. Review status: criteria provided, single submitter (1 of 4 stars). 2 submissions from 2 submitters: Likely benign (1). 1 of the submissions does not count toward it. Last evaluated 2020-12-04.

Conditions:
NEB-related disorder. Also called: NEB-related condition; NEB-Related Disorders.
Nemaline myopathy 2 (NEM2). Also called: Nemaline myopathy 2, autosomal recessive. Identifiers: MedGen C1850569, MONDO:0009725, OMIM 256030.

gnomAD v4.1: 6 of 1,613,470 alleles (0.00037%); highest among the groups gnomAD compares: Non-Finnish European, 0.00051%; no homozygotes.

Submissions (2):

Labcorp Genetics (formerly Invitae), Labcorp
Classification: Likely benign for Nemaline myopathy 2. Last evaluated: 2020-12-04. Review status: criteria provided, single submitter. Criteria: Invitae Variant Classification Sherloc (09022015). Collection method: clinical testing. Allele origin: germline.

PreventionGenetics, part of Exact Sciences
Classification: Likely benign for NEB-related condition. Last evaluated: 2021-02-01. Review status: no assertion criteria provided. Collection method: clinical testing. Allele origin: germline. Not counted in ClinVar's aggregate classification.
Comment: This variant is classified as likely benign based on ACMG/AMP sequence variant interpretation guidelines (Richards et al. 2015 PMID: 25741868, with internal and published modifications).